The following is an entry in ClinVar:

NM_001042492.3(NF1):c.4182C>G (p.Ser1394Arg)

Gene: NF1 (neurofibromin 1; plus strand). Cytogenetic location: 17q11.2.
Variant type: single nucleotide variant.
Coding change: c.4182C>G on transcript NM_001042492.3 (MANE Select); coding-DNA position 4182, C replaced by G.
Protein change: p.Ser1394Arg; replaces serine 1394 with arginine.
Molecular consequence: missense variant.
Genome position (GRCh38, 1-based): chr17:31,258,352, C>G. VCF-style: chr17-31258352-C-G. GRCh37 (hg19) VCF-style: chr17-29585370-C-G.
Other names: c.4119C>G, p.Ser1373Arg (NM_000267.4); short protein forms S1373R, S1394R.
Identifiers: ClinVar variation 4800762 (VCV004800762.1).
Genomic context (GRCh38, chr17:31,258,352, plus strand): 5'-GTCTTTATATTAATTCAAACCTTATACTCAATTCTCAACTCCTTGTTTTTAGGTGGTTAG[C>G]CAGCGTTTCCCTCAGAACAGCATCGGTGCAGTAGGAAGTGCCATGTTCCTCAGATTTATC-3'
Protein context (NP_001035957.1, residues 1384-1404): EKKENKKSVV[Ser1394Arg]QRFPQNSIGA

ClinVar aggregate classification (germline): Uncertain significance (1 of 4 stars; one submission).

Conditions:
Neurofibromatosis, type 1 (NF1). Also called: VON RECKLINGHAUSEN DISEASE; Neurofibromatosis, type I; NEUROFIBROMATOSIS, TYPE I, SOMATIC; Peripheral type neurofibromatosis. Identifiers: Orphanet 636, MedGen C0027831, MONDO:0018975, OMIM 162200. Disease mechanism: loss of function.

Submission:

Labcorp Genetics (formerly Invitae), Labcorp
Classification: Uncertain significance for Neurofibromatosis, type 1. Last evaluated: 2025-09-03. Review status: criteria provided, single submitter. Criteria: Invitae Variant Classification Sherloc (09022015). Collection method: clinical testing. Allele origin: germline.
Comment: This sequence change replaces serine, which is neutral and polar, with arginine, which is basic and polar, at codon 1373 of the NF1 protein (p.Ser1373Arg). This variant is not present in population databases (gnomAD no frequency). This variant has not been reported in the literature in individuals affected with NF1-related conditions. Invitae Evidence Modeling of protein sequence and biophysical properties (such as structural, functional, and spatial information, amino acid conservation, physicochemical variation, residue mobility, and thermodynamic stability) indicates that this missense variant is expected to disrupt NF1 protein function with a positive predictive value of 95%. In summary, the available evidence is currently insufficient to determine the role of this variant in disease. Therefore, it has been classified as a Variant of Uncertain Significance.